The following is an entry in ClinVar:

NM_006846.4(SPINK5):c.1526T>C (p.Ile509Thr)

Gene: SPINK5 (serine peptidase inhibitor Kazal type 5; plus strand). Cytogenetic location: 5q32.
Variant type: single nucleotide variant.
Coding change: c.1526T>C on transcript NM_006846.4 (MANE Select); coding-DNA position 1526, T replaced by C.
Protein change: p.Ile509Thr; replaces isoleucine 509 with threonine.
Molecular consequence: missense variant.
Genome position (GRCh38, 1-based): chr5:148,107,083, T>C. VCF-style: chr5-148107083-T-C. GRCh37 (hg19) VCF-style: chr5-147486646-T-C.
Other names: c.1526T>C, p.Ile509Thr (NM_001127698.2, NM_001127699.2); short protein forms I509T.
Identifiers: ClinVar variation 653231 (VCV000653231.11), dbSNP rs1268068282, ClinGen allele CA361639175.
Genomic context (GRCh38, chr5:148,107,083, plus strand): 5'-TCTTCATTTCCCAGGAAATCTGCAGTGAATTTCGGGACCAAGTGAGGAATGGAACACTTA[T>C]ATGCACCAGGGAGCATAATCCTGTCCGTGGCCCAGATGGCAAAATGCATGGAAACAAGTG-3'
Protein context (NP_006837.2, residues 499-519): FRDQVRNGTL[Ile509Thr]CTREHNPVRG

ClinVar aggregate classification (germline): Uncertain significance (1 of 4 stars; one submission).

Conditions:
Ichthyosis linearis circumflexa. Identifiers: MedGen C0265962, MONDO:0043106, HP:0025810.

Allele frequency attached by ClinVar (database versions not stated): gnomAD exomes below 0.00001; gnomAD 0.00003.
gnomAD v4.1: 4 of 1,613,338 alleles (0.00025%); highest among the groups gnomAD compares: African/African-American, 0.0027%; no homozygotes.

Submission:

Labcorp Genetics (formerly Invitae), Labcorp
Classification: Uncertain significance for Ichthyosis linearis circumflexa. Last evaluated: 2024-02-24. Review status: criteria provided, single submitter. Criteria: Invitae Variant Classification Sherloc (09022015). Collection method: clinical testing. Allele origin: germline.
Comment: This sequence change replaces isoleucine, which is neutral and non-polar, with threonine, which is neutral and polar, at codon 509 of the SPINK5 protein (p.Ile509Thr). This variant is present in population databases (no rsID available, gnomAD 0.008%). This variant has not been reported in the literature in individuals affected with SPINK5-related conditions. ClinVar contains an entry for this variant (Variation ID: 653231). Advanced modeling of protein sequence and biophysical properties (such as structural, functional, and spatial information, amino acid conservation, physicochemical variation, residue mobility, and thermodynamic stability) performed at Invitae indicates that this missense variant is not expected to disrupt SPINK5 protein function with a negative predictive value of 80%. In summary, the available evidence is currently insufficient to determine the role of this variant in disease. Therefore, it has been classified as a Variant of Uncertain Significance.